The following is an entry in ClinVar:

ClinVar aggregate classification (germline): Uncertain significance (1 of 4 stars; one submission).

Conditions:
Distal myopathy with posterior leg and anterior hand involvement. Also called: WILLIAMS DISTAL MYOPATHY. Identifiers: Orphanet 63273, MedGen C3279722, MONDO:0013550, OMIM 614065.
Hypertrophic cardiomyopathy 26. Also called: Cardiomyopathy, familial hypertrophic, 26. Identifiers: Orphanet 75249, MedGen C4310749, MONDO:0014883, OMIM 617047.
Myofibrillar myopathy 5. Also called: Filaminopathy (type); FILAMINOPATHY, AUTOSOMAL DOMINANT. Identifiers: Orphanet 171445, MedGen C1836050, MONDO:0012289, OMIM 609524.

Allele frequency attached by ClinVar (database versions not stated): TOPMed below 0.00001.

Submission:

Labcorp Genetics (formerly Invitae), Labcorp
Classification: Uncertain significance for Distal myopathy with posterior leg and anterior hand involvement; Myofibrillar myopathy 5; Hypertrophic cardiomyopathy 26. Last evaluated: 2022-07-25. Review status: criteria provided, single submitter. Criteria: Invitae Variant Classification Sherloc (09022015). Collection method: clinical testing. Allele origin: germline.
Comment: In summary, the available evidence is currently insufficient to determine the role of this variant in disease. Therefore, it has been classified as a Variant of Uncertain Significance. Algorithms developed to predict the effect of missense changes on protein structure and function are either unavailable or do not agree on the potential impact of this missense change (SIFT: "Tolerated"; PolyPhen-2: "Probably Damaging"; Align-GVGD: "Class C0"). This variant has not been reported in the literature in individuals affected with FLNC-related conditions. This variant is not present in population databases (gnomAD no frequency). This sequence change replaces valine, which is neutral and non-polar, with leucine, which is neutral and non-polar, at codon 2084 of the FLNC protein (p.Val2084Leu).

NM_001458.5(FLNC):c.6250G>T (p.Val2084Leu)

Genes: FLNC-AS1 (FLNC antisense RNA 1; minus strand), FLNC (filamin C; plus strand). Cytogenetic location: 7q32.1.
Variant type: single nucleotide variant.
Coding change: c.6250G>T on transcript NM_001458.5 (MANE Select); coding-DNA position 6250, G replaced by T.
Protein change: p.Val2084Leu; replaces valine 2084 with leucine.
Molecular consequence: missense variant.
Genome position (GRCh38, 1-based): chr7:128,853,510, G>T. VCF-style: chr7-128853510-G-T. GRCh37 (hg19) VCF-style: chr7-128493564-G-T.
Other names: c.6151G>T, p.Val2051Leu (NM_001127487.2); short protein forms V2084L, V2051L.
Identifiers: ClinVar variation 1925266 (VCV001925266.5), dbSNP rs1808913022, ClinGen allele CA369211903.